The following is an entry in ClinVar:

NM_032808.7(LINGO1):c.1359G>A (p.Pro453=)

Gene: LINGO1 (leucine rich repeat and Ig domain containing 1; minus strand). Cytogenetic location: 15q24.3.
Variant type: single nucleotide variant.
Coding change: c.1359G>A on transcript NM_032808.7 (MANE Select); coding-DNA position 1359, G replaced by A.
Protein change: p.Pro453=; no amino-acid change (proline 453 retained).
Molecular consequence: synonymous variant.
Genome position (GRCh38, 1-based): chr15:77,614,548, C>T on the plus strand (G>A on the coding strand, the complement: LINGO1 is on the minus strand). VCF-style: chr15-77614548-C-T. GRCh37 (hg19) VCF-style: chr15-77906890-C-T.
Other names: c.1359G>A (NM_032808.6); c.1341G>A, p.Pro447= (NM_001301186.2, NM_001301187.2, NM_001301189.2 and 8 more transcripts).
Identifiers: ClinVar variation 2645596 (VCV002645596.25), dbSNP rs370042281, ClinGen allele CA7677792.
Genomic context (GRCh38, chr15:77,614,548, plus strand): 5'-CCGCCCATTGCTCTTGGCTGAGACCAGGTGCTTTCGGGGTGAGAGCCAGAGGATGGCGGG[C>T]GGCGGGTCGCCATCGGCCCGGCACACAAACTGCACCGTGTGGCCCTCGTCCACAAACACC-3'
Protein context (NP_116197.4, residues 443-463): QFVCRADGDP[Pro453=]PAILWLSPRK

ClinVar aggregate classification (germline): Likely benign. Review status: criteria provided, single submitter (1 of 4 stars). 2 submissions from 2 submitters: Likely benign (1). 1 of the submissions does not count toward it. Last evaluated 2022-08-01.

Conditions:
LINGO1-related disorder. Also called: LINGO1-related condition.

Allele frequency attached by ClinVar (database versions not stated): gnomAD 0.00004; TOPMed 0.00006; ExAC 0.00008; 1000 Genomes Project 30x 0.00016; ESP Exome Variant Server 0.00016; 1000 Genomes Project 0.00020.
gnomAD v4.1: 214 of 1,609,990 alleles (0.013%); highest among the groups gnomAD compares: Non-Finnish European, 0.016%; no homozygotes.

Submissions (2):

CeGaT Center for Human Genetics Tuebingen
Classification: Likely benign. Last evaluated: 2022-08-01. Review status: criteria provided, single submitter. Criteria: CeGaT Center For Human Genetics Tuebingen Variant Classification Criteria Version 2. Collection method: clinical testing. Allele origin: germline. Affected: yes. Observed: 1 variant allele.
Comment: LINGO1: BP4, BP7

PreventionGenetics, part of Exact Sciences
Classification: Likely benign for LINGO1-related condition. Last evaluated: 2019-05-21. Review status: no assertion criteria provided. Collection method: clinical testing. Allele origin: germline. Not counted in ClinVar's aggregate classification.
Comment: This variant is classified as likely benign based on ACMG/AMP sequence variant interpretation guidelines (Richards et al. 2015 PMID: 25741868, with internal and published modifications).